The following is an entry in ClinVar:

NM_001354639.2(PVALEF):c.321G>A (p.Ala107=)

Gene: PVALEF (parvalbumin like EF-hand containing; plus strand). Cytogenetic location: 17q25.3.
Variant type: single nucleotide variant.
Coding change: c.321G>A on transcript NM_001354639.2 (MANE Select); coding-DNA position 321, G replaced by A.
Protein change: p.Ala107=; no amino-acid change (alanine 107 retained).
Molecular consequence: synonymous variant.
Genome position (GRCh38, 1-based): chr17:81,182,044, G>A. VCF-style: chr17-81182044-G-A. GRCh37 (hg19) VCF-style: chr17-79155844-G-A.
Identifiers: ClinVar variation 2648434 (VCV002648434.24), dbSNP rs192869137, ClinGen allele CA295012910.

ClinVar aggregate classification (germline): Likely benign (1 of 4 stars; one submission).

Allele frequency attached by ClinVar (database versions not stated): TOPMed 0.00031; gnomAD 0.00035; 1000 Genomes Project 30x 0.00094; 1000 Genomes Project 0.00100.
gnomAD v4.1: 150 of 398,790 alleles (0.038%); highest among the groups gnomAD compares: East Asian, 0.35%; 1 homozygote.

Submission:

CeGaT Center for Human Genetics Tuebingen
Classification: Likely benign. Last evaluated: 2023-02-01. Review status: criteria provided, single submitter. Criteria: CeGaT Center For Human Genetics Tuebingen Variant Classification Criteria Version 2. Collection method: clinical testing. Allele origin: germline. Affected: yes. Observed: 1 variant allele.
Comment: PVALEF: BP4, BP7